The following is an entry in ClinVar:

ClinVar aggregate classification (germline): Likely benign. Review status: criteria provided, single submitter (1 of 4 stars). 2 submissions from 2 submitters: Likely benign (1). 1 of the submissions does not count toward it. Last evaluated 2026-08-01.

Conditions:
ANKRD17-related disorder. Also called: ANKRD17-related condition.

Allele frequency attached by ClinVar (database versions not stated): gnomAD exomes 0.00170; ExAC 0.00172; 1000 Genomes Project 30x 0.00219; 1000 Genomes Project 0.00220; gnomAD 0.00247; ESP Exome Variant Server 0.00269; TOPMed 0.00279.
gnomAD v4.1: 2,926 of 1,614,016 alleles (0.18%); highest among the groups gnomAD compares: African/African-American, 0.54%; 8 homozygotes.

Submissions (2):

CeGaT Center for Human Genetics Tuebingen
Classification: Likely benign. Last evaluated: 2026-08-01. Review status: criteria provided, single submitter. Criteria: CeGaT Center For Human Genetics Tuebingen Variant Classification Criteria Version 2. Collection method: clinical testing. Allele origin: germline. Affected: yes. Observed: 10 variant alleles.
Comment: ANKRD17: BP4, BP7

PreventionGenetics, part of Exact Sciences
Classification: Likely benign for ANKRD17-related condition. Last evaluated: 2022-09-16. Review status: no assertion criteria provided. Collection method: clinical testing. Allele origin: germline. Not counted in ClinVar's aggregate classification.
Comment: This variant is classified as likely benign based on ACMG/AMP sequence variant interpretation guidelines (Richards et al. 2015 PMID: 25741868, with internal and published modifications).

NM_032217.5(ANKRD17):c.3894G>A (p.Ala1298=)

Gene: ANKRD17 (ankyrin repeat domain 17; minus strand). Cytogenetic location: 4q13.3.
Variant type: single nucleotide variant.
Coding change: c.3894G>A on transcript NM_032217.5 (MANE Select); coding-DNA position 3894, G replaced by A.
Protein change: p.Ala1298=; no amino-acid change (alanine 1298 retained).
Molecular consequence: synonymous variant.
Genome position (GRCh38, 1-based): chr4:73,120,293, C>T on the plus strand (G>A on the coding strand, the complement: ANKRD17 is on the minus strand). VCF-style: chr4-73120293-C-T. GRCh37 (hg19) VCF-style: chr4-73986010-C-T.
Other names: c.3555G>A, p.Ala1185= (NM_001286771.3); c.3891G>A, p.Ala1297= (NM_015574.2); c.3141G>A, p.Ala1047= (NM_198889.3).
Identifiers: ClinVar variation 3034412 (VCV003034412.15), dbSNP rs139894750, ClinGen allele CA2958431.
Genomic context (GRCh38, chr4:73,120,293, plus strand): 5'-GGAGGGAACTGGAGGGGCATTAACATCAGCACCTTTATCCAAAAGAACTCGGCCCACCTC[C>T]GCATATCCACCAGAGGCAGCTTCCATTAGTGGTGTGAGACCAGTCTAAGTTTAGTGTAAA-3'
Protein context (NP_115593.3, residues 1288-1308): PLMEAASGGY[Ala1298=]EVGRVLLDKG